The following is an entry in ClinVar:

ClinVar aggregate classification (germline): Uncertain significance. Review status: criteria provided, multiple submitters, no conflicts (2 of 4 stars). 4 submissions from 4 submitters: Uncertain significance (4). Last evaluated 2024-03-06.

Conditions:
Hereditary cancer-predisposing syndrome. Also called: Tumor predisposition; Hereditary Cancer Syndrome; Hereditary neoplastic syndrome; Neoplastic Syndromes, Hereditary. Identifiers: Orphanet 140162, MedGen C0027672, MeSH D009386, MONDO:0015356.
Familial adenomatous polyposis 1 (FAP1). Also called: FAMILIAL ADENOMATOUS POLYPOSIS 1, ATTENUATED; POLYPOSIS, ADENOMATOUS INTESTINAL. Identifiers: MedGen C2713442, MONDO:0021056, OMIM 175100. Disease mechanism: loss of function.

Allele frequency attached by ClinVar (database versions not stated): gnomAD exomes below 0.00001.
gnomAD v4.1: 3 of 1,614,208 alleles (0.00019%); highest among the groups gnomAD compares: South Asian, 0.0033%; no homozygotes.

Submissions (4):

Color Diagnostics, LLC DBA Color Health
Classification: Uncertain significance for Hereditary cancer-predisposing syndrome. Last evaluated: 2024-03-06. Review status: criteria provided, single submitter. Criteria: ACMG Guidelines, 2015. Collection method: clinical testing. Allele origin: germline.
Comment: This missense variant replaces histidine with proline at codon 929 of the APC protein. Computational prediction is inconclusive regarding the impact of this variant on protein structure and function (internally defined REVEL score threshold 0.5 < inconclusive < 0.7, PMID: 27666373). To our knowledge, functional studies have not been reported for this variant. This variant has not been reported in individuals affected with hereditary cancer in the literature. This variant has been identified in 1/250864 chromosomes in the general population by the Genome Aggregation Database (gnomAD). The available evidence is insufficient to determine the role of this variant in disease conclusively. Therefore, this variant is classified as a Variant of Uncertain Significance.

Labcorp Genetics (formerly Invitae), Labcorp
Classification: Uncertain significance for Familial adenomatous polyposis 1. Last evaluated: 2023-10-29. Review status: criteria provided, single submitter. Criteria: Invitae Variant Classification Sherloc (09022015). Collection method: clinical testing. Allele origin: germline.
Comment: This sequence change replaces histidine, which is basic and polar, with proline, which is neutral and non-polar, at codon 929 of the APC protein (p.His929Pro). This variant is present in population databases (rs730881242, gnomAD 0.003%). This variant has not been reported in the literature in individuals affected with APC-related conditions. ClinVar contains an entry for this variant (Variation ID: 181796). Advanced modeling of protein sequence and biophysical properties (such as structural, functional, and spatial information, amino acid conservation, physicochemical variation, residue mobility, and thermodynamic stability) performed at Invitae indicates that this missense variant is not expected to disrupt APC protein function with a negative predictive value of 95%. In summary, the available evidence is currently insufficient to determine the role of this variant in disease. Therefore, it has been classified as a Variant of Uncertain Significance.

Ambry Genetics
Classification: Uncertain significance for Hereditary cancer-predisposing syndrome. Last evaluated: 2023-01-27. Review status: criteria provided, single submitter. Criteria: Ambry Variant Classification Scheme 2023. Collection method: clinical testing. Allele origin: germline.
Comment: The p.H929P variant (also known as c.2786A>C), located in coding exon 15 of the APC gene, results from an A to C substitution at nucleotide position 2786. The histidine at codon 929 is replaced by proline, an amino acid with similar properties. This amino acid position is well conserved in available vertebrate species. In addition, in silico predictors for this gene do not accurately predict pathogenicity. Since supporting evidence is limited at this time, the clinical significance of this alteration remains unclear.

GeneDx
Classification: Uncertain significance. Last evaluated: 2014-09-08. Review status: criteria provided, single submitter. Criteria: GeneDx Variant Classification (06012015). Collection method: clinical testing. Allele origin: germline. Affected: yes.
Comment: This variant is denoted APC c.2786A>C at the cDNA level, p.His929Pro (H929P) at the protein level, and results in the change of a Histidine to a Proline (CAT>CCT). This variant has not, to our knowledge, been published in the literature as pathogenic or benign. APC His929Pro was not observed in approximately 6,500 individuals of European and African American ancestry in the NHLBI Exome Sequencing Project, indicating it is not a common benign variant in these populations. Since Histidine and Proline differ in polarity, charge, size or other properties, this is considered a non-conservative amino acid substitution. APC His929Pro occurs at a position that is moderately conserved across species and is not located in a known functional domain. In silico analyses predict that this variant is probably damaging to protein structure and function. Based on currently available information, it is unclear whether APC His929Pro is pathogenic or benign. We consider it to be a variant of uncertain significance.

NM_000038.6(APC):c.2786A>C (p.His929Pro)

Gene: APC (APC regulator of Wnt signaling pathway; plus strand). Cytogenetic location: 5q22.2.
Variant type: single nucleotide variant.
Coding change: c.2786A>C on transcript NM_000038.6 (MANE Select); coding-DNA position 2786, A replaced by C.
Protein change: p.His929Pro; replaces histidine 929 with proline.
Molecular consequence: missense variant.
Genome position (GRCh38, 1-based): chr5:112,838,380, A>C. VCF-style: chr5-112838380-A-C. GRCh37 (hg19) VCF-style: chr5-112174077-A-C.
Other names: p.H929P:CAT>CCT; c.2786A>C, p.His929Pro (NM_001127510.3, NM_001354895.2); c.2732A>C, p.His911Pro (NM_001127511.3); c.2840A>C, p.His947Pro (NM_001354896.2); c.2816A>C, p.His939Pro (NM_001354897.2); c.2711A>C, p.His904Pro (NM_001354898.2); c.2702A>C, p.His901Pro (NM_001354899.2); c.2663A>C, p.His888Pro (NM_001354900.2); and 6 more; short protein forms H911P, H929P, H646P, H769P, H803P, H838P, H901P, H904P.
Identifiers: ClinVar variation 181796 (VCV000181796.13), dbSNP rs730881242, ClinGen allele CA007796.